The following is an entry in ClinVar:

NM_001042517.2(DIAPH3):c.2359G>T (p.Val787Leu)

Gene: DIAPH3 (diaphanous related formin 3; minus strand). Cytogenetic location: 13q21.2.
Variant type: single nucleotide variant.
Coding change: c.2359G>T on transcript NM_001042517.2 (MANE Select); coding-DNA position 2359, G replaced by T.
Protein change: p.Val787Leu; replaces valine 787 with leucine.
Molecular consequence: missense variant.
Genome position (GRCh38, 1-based): chr13:59,911,743, C>A on the plus strand (G>T on the coding strand, the complement: DIAPH3 is on the minus strand). VCF-style: chr13-59911743-C-A. GRCh37 (hg19) VCF-style: chr13-60485877-C-A.
Other names: c.2149G>T, p.Val717Leu (NM_001258368.2); c.2359G>T, p.Val787Leu (NM_001258369.2); c.1570G>T, p.Val524Leu (NM_001258370.2, NM_030932.4); c.2326G>T, p.Val776Leu (NM_001258366.2); c.2221G>T, p.Val741Leu (NM_001258367.2); short protein forms V787L, V717L, V524L, V741L, V776L.
Identifiers: ClinVar variation 2183917 (VCV002183917.4), dbSNP rs759861398, ClinGen allele CA6996406.

ClinVar aggregate classification (germline): Uncertain significance (1 of 4 stars; one submission).

Allele frequency attached by ClinVar (database versions not stated): gnomAD 0.00004.
gnomAD v4.1: 52 of 1,613,278 alleles (0.0032%); highest among the groups gnomAD compares: South Asian, 0.054%; 1 homozygote.

Submission:

Labcorp Genetics (formerly Invitae), Labcorp
Classification: Uncertain significance. Last evaluated: 2022-03-05. Review status: criteria provided, single submitter. Criteria: Invitae Variant Classification Sherloc (09022015). Collection method: clinical testing. Allele origin: germline.
Comment: This variant is present in population databases (rs759861398, gnomAD 0.02%). This sequence change replaces valine, which is neutral and non-polar, with leucine, which is neutral and non-polar, at codon 787 of the DIAPH3 protein (p.Val787Leu). This variant has not been reported in the literature in individuals affected with DIAPH3-related conditions. Algorithms developed to predict the effect of missense changes on protein structure and function are either unavailable or do not agree on the potential impact of this missense change (SIFT: "Deleterious"; PolyPhen-2: "Benign"; Align-GVGD: "Class C0"). In summary, the available evidence is currently insufficient to determine the role of this variant in disease. Therefore, it has been classified as a Variant of Uncertain Significance.